The following is an entry in ClinVar:

ClinVar aggregate classification (germline): Benign/Likely benign. Review status: criteria provided, multiple submitters, no conflicts (2 of 4 stars). 3 submissions from 3 submitters: Benign (1); Likely benign (2). Last evaluated 2025-03-10.

Conditions:
Hereditary cancer-predisposing syndrome. Also called: Tumor predisposition; Hereditary neoplastic syndrome; Hereditary Cancer Syndrome; Neoplastic Syndromes, Hereditary. Identifiers: Orphanet 140162, MedGen C0027672, MeSH D009386, MONDO:0015356.
Oligodontia-cancer predisposition syndrome. Also called: TOOTH AGENESIS-COLORECTAL CANCER SYNDROME. Identifiers: Orphanet 300576, MedGen C1837750, MONDO:0012075, OMIM 608615. Disease mechanism: loss of function.

gnomAD v4.1: 2 of 1,613,180 alleles (0.00012%); highest among the groups gnomAD compares: East Asian, 0.0022%; no homozygotes.

Submissions (3):

Labcorp Genetics (formerly Invitae), Labcorp
Classification: Likely benign for Oligodontia-cancer predisposition syndrome. Last evaluated: 2025-03-10. Review status: criteria provided, single submitter. Criteria: Invitae Variant Classification Sherloc (09022015). Collection method: clinical testing. Allele origin: germline.

Myriad Genetics, Inc.
Classification: Benign for Oligodontia-cancer predisposition syndrome. Last evaluated: 2024-07-08. Review status: criteria provided, single submitter. Criteria: Myriad Autosomal Dominant, Autosomal Recessive and X-Linked Classification Criteria (2023). Collection method: clinical testing. Allele origin: unknown.
Comment: This variant is considered benign. This variant is a silent/synonymous amino acid change and it is not expected to impact splicing.

Ambry Genetics
Classification: Likely benign for Hereditary cancer-predisposing syndrome. Last evaluated: 2023-03-22. Review status: criteria provided, single submitter. Criteria: Ambry Variant Classification Scheme 2023. Collection method: clinical testing. Allele origin: germline.

NM_004655.4(AXIN2):c.1809T>G (p.Ala603=)

Gene: AXIN2 (axin 2; minus strand). Cytogenetic location: 17q24.1.
Variant type: single nucleotide variant.
Coding change: c.1809T>G on transcript NM_004655.4 (MANE Select); coding-DNA position 1809, T replaced by G.
Protein change: p.Ala603=; no amino-acid change (alanine 603 retained).
Molecular consequence: synonymous variant. On other transcripts: intron variant (1).
Genome position (GRCh38, 1-based): chr17:65,536,967, A>C on the plus strand (T>G on the coding strand, the complement: AXIN2 is on the minus strand). VCF-style: chr17-65536967-A-C. GRCh37 (hg19) VCF-style: chr17-63533085-A-C.
Other names: c.1712+357T>G (NM_001363813.1); c.1809T>G (NM_004655.3).
Identifiers: ClinVar variation 1674826 (VCV001674826.10), dbSNP rs774539942, ClinGen allele CA8718524.